The following is an entry in ClinVar:

NM_001042492.3(NF1):c.8107del (p.Leu2703fs)

Gene: NF1 (neurofibromin 1; plus strand). Cytogenetic location: 17q11.2.
Variant type: Deletion.
Coding change: c.8107del on transcript NM_001042492.3 (MANE Select); coding-DNA position 8107, one base deleted (C; older notation c.8107delC).
Protein change: p.Leu2703fs; shifts the reading frame from leucine 2703.
Molecular consequence: frameshift variant.
Genome position (GRCh38, 1-based): chr17:31,358,616, C deleted; the last of 2 consecutive C bases (chr17:31,358,615-31,358,616); deleting either gives the same sequence. VCF-style (leftmost placement, unchanged base first): chr17-31358614-AC-A. GRCh37 (hg19) VCF-style: chr17-29685632-AC-A.
Other names: c.8044delC, p.Leu2682Cysfs (NM_000267.4); short protein forms L2682fs, L2703fs.
Identifiers: ClinVar variation 3897226 (VCV003897226.2).
Genomic context (GRCh38, chr17:31,358,614, plus strand): 5'-ATGGAATTGTGCAGAGTGTGGTGTACCATGAAGAATCCCCACCACAATACCAAACATCTT[AC>A]CTGCAAAGTAAATAAATGTATCTGGAGAAGGATGGTTGATGAACTTGCTAACATGCGCGC-3'

ClinVar aggregate classification (germline): Pathogenic/Likely pathogenic. Review status: criteria provided, multiple submitters, no conflicts (2 of 4 stars). 2 submissions from 2 submitters: Pathogenic (1); Likely pathogenic (1). Last evaluated 2024-11-05.

Conditions:
NF1-related disorder. Also called: NF1-related condition. Identifiers: MedGen CN379171.

Submissions (2):

GeneDx
Classification: Pathogenic. Last evaluated: 2024-11-05. Review status: criteria provided, single submitter. Criteria: GeneDx Variant Classification Process June 2021. Collection method: clinical testing. Allele origin: germline. Affected: yes.
Comment: Frameshift variant predicted to result in protein truncation or nonsense mediated decay in a gene for which loss of function is a known mechanism of disease; Not observed at significant frequency in large population cohorts (gnomAD); Has not been previously published as pathogenic or benign to our knowledge

Blueprint Genetics
Classification: Likely pathogenic for NF1-related disorders. Last evaluated: 2023-02-13. Review status: criteria provided, single submitter. Criteria: ACMG Guidelines, 2015. Collection method: clinical testing. Allele origin: germline. Affected: yes. Observed: 1 variant allele.